The following is an entry in ClinVar:

ClinVar aggregate classification (germline): Pathogenic. Review status: criteria provided, multiple submitters, no conflicts (2 of 4 stars). 3 submissions from 3 submitters: Pathogenic (2). 1 of the submissions does not count toward it. Last evaluated 2025-04-14.

Conditions:
Intellectual developmental disorder with cardiac defects and dysmorphic facies (IDDCDF). Identifiers: Orphanet 562569, MedGen C5193024, MONDO:0032672, OMIM 618316.
TMEM94-related disorder. Also called: TMEM94-related condition.

Allele frequency attached by ClinVar (database versions not stated): gnomAD exomes below 0.00001; TOPMed below 0.00001.
gnomAD v4.1: 1 of 1,614,056 alleles (0.000062%); highest among the groups gnomAD compares: African/African-American, 0.0013%; no homozygotes.

Submissions (3):

PreventionGenetics, part of Exact Sciences
Classification: Pathogenic for TMEM94-related condition. Last evaluated: 2025-04-14. Review status: criteria provided, single submitter. Criteria: ACMG Guidelines, 2015. Collection method: clinical testing. Allele origin: germline.
Comment: The TMEM94 c.765-1G>C variant is predicted to disrupt the AG splice acceptor site and interfere with normal splicing. This variant has been reported with a frameshift variant in at least one individual with intellectual developmental disorder with cardiac defects and dysmorphic facies (described as c.795-1G>C, Stephen et al. 2018. PubMed ID: 30526868; Table S4, Lee et al. 2019. PubMed ID: 31607746). This variant has not been reported in a large population database (gnomAD), indicating this variant is rare. Variants that disrupt the consensus splice acceptor site in TMEM94 are expected to be pathogenic. This variant is interpreted as pathogenic.

Undiagnosed Diseases Network, NIH
Classification: Pathogenic for TMEM94-related condition. Last evaluated: 2018-03-16. Review status: criteria provided, single submitter. Criteria: ACMG Guidelines, 2015. Collection method: clinical testing. Allele origin: unknown. Inheritance: Autosomal recessive inheritance. Affected: yes. Observed: 1 variant allele, 1 compound heterozygote. Study: Undiagnosed Diseases Network (NIH), UDN.

OMIM
Classification: Pathogenic for INTELLECTUAL DEVELOPMENTAL DISORDER WITH CARDIAC DEFECTS AND DYSMORPHIC FACIES. Last evaluated: 2019-02-06. Review status: no assertion criteria provided. Collection method: literature only. Allele origin: germline. Not counted in ClinVar's aggregate classification.

Literature cited by the submitters: PubMed 30526868 (cited by OMIM).

NM_014738.6(TMEM94):c.765-1G>C

Gene: TMEM94 (transmembrane protein 94; plus strand). Cytogenetic location: 17q25.1.
Variant type: single nucleotide variant.
Coding change: c.765-1G>C on transcript NM_014738.6 (MANE Select); the canonical splice acceptor site of the intron before coding-DNA position 765, G replaced by C.
Molecular consequence: splice acceptor variant.
Genome position (GRCh38, 1-based): chr17:75,489,265, G>C. VCF-style: chr17-75489265-G-C. GRCh37 (hg19) VCF-style: chr17-73485346-G-C.
Other names: IVS6AS, G-C, -1; c.765-1G>C (NM_001321149.2, NM_001351202.2, NM_014738.5); c.795-1G>C (NM_001321148.2, NM_001351203.2).
Identifiers: ClinVar variation 598744 (VCV000598744.5), dbSNP rs1352010373, ClinGen allele CA401011352.